The following is an entry in ClinVar:

NM_182914.3(SYNE2):c.15483+13G>A

Gene: SYNE2 (spectrin repeat containing nuclear envelope protein 2; plus strand). Cytogenetic location: 14q23.2.
Variant type: single nucleotide variant.
Coding change: c.15483+13G>A on transcript NM_182914.3 (MANE Select); 13 bases into the intron after coding-DNA position 15483, G replaced by A.
Molecular consequence: intron variant.
Genome position (GRCh38, 1-based): chr14:64,143,961, G>A. VCF-style: chr14-64143961-G-A. GRCh37 (hg19) VCF-style: chr14-64610679-G-A.
Other names: c.15483+13G>A (NM_015180.6).
Identifiers: ClinVar variation 313610 (VCV000313610.12), dbSNP rs369303929, ClinGen allele CA7223094.
Genomic context (GRCh38, chr14:64,143,961, plus strand): 5'-GAGATGAACCGCCAGTGGCACCGTGTACATGGAATGCTGAATAGAAAGGTGTGTTCCTGC[G>A]TCACAACTGGATGTGTGGTTTGACCTTTATGAAACACACTTTCTGAAAAATCAAAAAAGA-3'

ClinVar aggregate classification (germline): Likely benign. Review status: criteria provided, multiple submitters, no conflicts (2 of 4 stars). 2 submissions from 2 submitters: Likely benign (2). Last evaluated 2025-10-05.

Conditions:
Emery-Dreifuss muscular dystrophy 5, autosomal dominant (EDMD5). Also called: EMERY-DREIFUSS MUSCULAR DYSTROPHY 5. Identifiers: Orphanet 261, MedGen C2751805, MONDO:0013072, OMIM 612999.

Allele frequency attached by ClinVar (database versions not stated): TOPMed 0.00003; ESP Exome Variant Server 0.00008.
gnomAD v4.1: 35 of 1,613,996 alleles (0.0022%); highest among the groups gnomAD compares: Middle Eastern, 0.017%; no homozygotes.

Submissions (2):

Labcorp Genetics (formerly Invitae), Labcorp
Classification: Likely benign for Emery-Dreifuss muscular dystrophy 5, autosomal dominant. Last evaluated: 2025-10-05. Review status: criteria provided, single submitter. Criteria: Invitae Variant Classification Sherloc (09022015). Collection method: clinical testing. Allele origin: germline.

Illumina Laboratory Services, Illumina
Classification: Likely benign for Emery-Dreifuss muscular dystrophy 5, autosomal dominant. Last evaluated: 2018-01-13. Review status: criteria provided, single submitter. Criteria: ICSL Variant Classification Criteria 13 December 2019. Collection method: clinical testing. Allele origin: germline.
Comment: This variant was observed in the ICSL laboratory as part of a predisposition screen in an ostensibly healthy population. It had not been previously curated by ICSL or reported in the Human Gene Mutation Database (HGMD: prior to June 1st, 2018), and was therefore a candidate for classification through an automated scoring system. Utilizing variant allele frequency, disease prevalence and penetrance estimates, and inheritance mode, an automated score was calculated to assess if this variant is too frequent to cause the disease. Based on the score and internal cut-off values, a variant classified as likely benign is not then subjected to further curation. The score for this variant resulted in a classification of likely benign for this disease.